The following is an entry in ClinVar:

NM_005475.3(SH2B3):c.1381T>G (p.Tyr461Asp)

Gene: SH2B3 (SH2B adaptor protein 3; plus strand). Cytogenetic location: 12q24.12.
Variant type: single nucleotide variant.
Coding change: c.1381T>G on transcript NM_005475.3 (MANE Select); coding-DNA position 1381, T replaced by G.
Protein change: p.Tyr461Asp; replaces tyrosine 461 with aspartic acid.
Molecular consequence: missense variant.
Genome position (GRCh38, 1-based): chr12:111,447,800, T>G. VCF-style: chr12-111447800-T-G. GRCh37 (hg19) VCF-style: chr12-111885604-T-G.
Other names: c.775T>G, p.Tyr259Asp (NM_001291424.1); short protein forms Y259D, Y461D.
Identifiers: ClinVar variation 3795175 (VCV003795175.1).

ClinVar aggregate classification (germline): Uncertain significance (1 of 4 stars; one submission).

Conditions:
Inborn genetic diseases. Identifiers: MedGen C0950123, MeSH D030342.

Submission:

Ambry Genetics
Classification: Uncertain significance for Inborn genetic diseases. Last evaluated: 2025-02-06. Review status: criteria provided, single submitter. Criteria: Ambry Variant Classification Scheme 2023. Collection method: clinical testing. Allele origin: germline.
Comment: The p.Y461D variant (also known as c.1381T>G), located in coding exon 6 of the SH2B3 gene, results from a T to G substitution at nucleotide position 1381. The tyrosine at codon 461 is replaced by aspartic acid, an amino acid with highly dissimilar properties. This amino acid position is conserved. In addition, the in silico prediction for this alteration is inconclusive. Based on the available evidence, the clinical significance of this variant remains unclear.